The following is an entry in ClinVar:

ClinVar aggregate classification (germline): Likely benign (0 of 4 stars; one submission).

Conditions:
PIP5K1C-related disorder. Also called: PIP5K1C-related condition.

Allele frequency attached by ClinVar (database versions not stated): ESP Exome Variant Server 0.00008; gnomAD exomes 0.00009; gnomAD 0.00011; 1000 Genomes Project 30x 0.00016; TOPMed 0.00018; 1000 Genomes Project 0.00020; ExAC 0.00032.
gnomAD v4.1: 148 of 1,613,718 alleles (0.0092%); highest among the groups gnomAD compares: Admixed American, 0.16%; no homozygotes.

Submission:

PreventionGenetics, part of Exact Sciences
Classification: Likely benign for PIP5K1C-related condition. Last evaluated: 2020-02-04. Review status: no assertion criteria provided. Collection method: clinical testing. Allele origin: germline.
Comment: This variant is classified as likely benign based on ACMG/AMP sequence variant interpretation guidelines (Richards et al. 2015 PMID: 25741868, with internal and published modifications).

NM_012398.3(PIP5K1C):c.675C>T (p.Cys225=)

Gene: PIP5K1C (phosphatidylinositol-4-phosphate 5-kinase type 1 gamma; minus strand). Cytogenetic location: 19p13.3.
Variant type: single nucleotide variant.
Coding change: c.675C>T on transcript NM_012398.3 (MANE Select); coding-DNA position 675, C replaced by T.
Protein change: p.Cys225=; no amino-acid change (cysteine 225 retained).
Molecular consequence: synonymous variant.
Genome position (GRCh38, 1-based): chr19:3,653,536, G>A on the plus strand (C>T on the coding strand, the complement: PIP5K1C is on the minus strand). VCF-style: chr19-3653536-G-A. GRCh37 (hg19) VCF-style: chr19-3653534-G-A.
Other names: c.675C>T, p.Cys225= (NM_001195733.2, NM_001300849.2).
Identifiers: ClinVar variation 3052188 (VCV003052188.2), dbSNP rs150537614, ClinGen allele CA9082571.
Genomic context (GRCh38, chr19:3,653,536, plus strand): 5'-CACGCGGGGCAGGATGTTGTTCATGACCACGACGCGGATGTTCTTGCCCCCCGACTGCAC[G>A]CAGTACAGCCCATAGAACTTGGGCAGCAGCGTCCGCGGGTTCTGGTTGAGGTTCTGCCGG-3'
Protein context (NP_036530.1, residues 215-235): TLLPKFYGLY[Cys225=]VQSGGKNIRV